The following is an entry in ClinVar:

NM_138694.4(PKHD1):c.10251C>T (p.Ser3417=)

Gene: PKHD1 (PKHD1 ciliary IPT domain containing fibrocystin/polyductin; minus strand). Cytogenetic location: 6p12.3.
Variant type: single nucleotide variant.
Coding change: c.10251C>T on transcript NM_138694.4 (MANE Select); coding-DNA position 10251, C replaced by T.
Protein change: p.Ser3417=; no amino-acid change (serine 3417 retained).
Molecular consequence: synonymous variant.
Genome position (GRCh38, 1-based): chr6:51,659,875, G>A on the plus strand (C>T on the coding strand, the complement: PKHD1 is on the minus strand). VCF-style: chr6-51659875-G-A. GRCh37 (hg19) VCF-style: chr6-51524673-G-A.
Identifiers: ClinVar variation 594340 (VCV000594340.18), dbSNP rs372394177, ClinGen allele CA3851121.

ClinVar aggregate classification (germline): Conflicting classifications of pathogenicity. Review status: criteria provided, conflicting classifications (1 of 4 stars). 5 submissions from 5 submitters: Uncertain significance (1); Likely benign (3). 1 of the submissions does not count toward it. Last evaluated 2025-11-12.

Conditions:
Autosomal recessive polycystic kidney disease (ARPKD). Also called: AR polycystic kidney disease. Identifiers: Orphanet 731, Orphanet 8378, MedGen C0085548, MeSH D017044, MONDO:0009889.
PKHD1-related disorder. Also called: PKHD1-related condition.

Allele frequency attached by ClinVar (database versions not stated): ExAC 0.00005; TOPMed 0.00006; ESP Exome Variant Server 0.00008.
gnomAD v4.1: 105 of 1,613,090 alleles (0.0065%); highest among the groups gnomAD compares: South Asian, 0.015%; no homozygotes.

Submissions (5):

PreventionGenetics, part of Exact Sciences
Classification: Likely benign for PKHD1-related condition. Last evaluated: 2025-11-12. Review status: criteria provided, single submitter. Criteria: ACMG Guidelines, 2015. Collection method: clinical testing. Allele origin: germline.
Comment: This variant is classified as likely benign based on ACMG/AMP sequence variant interpretation guidelines (Richards et al. 2015 PMID: 25741868, with internal and published modifications).

Labcorp Genetics (formerly Invitae), Labcorp
Classification: Likely benign for Autosomal recessive polycystic kidney disease. Last evaluated: 2024-02-22. Review status: criteria provided, single submitter. Criteria: Invitae Variant Classification Sherloc (09022015). Collection method: clinical testing. Allele origin: germline.

Women's Health and Genetics/Laboratory Corporation of America, LabCorp
Classification: Likely benign. Last evaluated: 2022-03-11. Review status: criteria provided, single submitter. Criteria: LabCorp Variant Classification Summary - May 2015. Collection method: clinical testing. Allele origin: germline.

Eurofins Ntd Llc (ga)
Classification: Uncertain significance. Last evaluated: 2018-04-06. Review status: criteria provided, single submitter. Criteria: EGL ClinVar v180209 classification definitions. Collection method: clinical testing. Allele origin: germline. Observed: 3 variant alleles, 3 heterozygotes.

Natera, Inc.
Classification: Uncertain significance for Autosomal recessive polycystic kidney disease. Last evaluated: 2018-05-24. Review status: no assertion criteria provided. Collection method: clinical testing. Allele origin: germline. Not counted in ClinVar's aggregate classification.